The following is an entry in ClinVar:

NM_173495.3(PTCHD1):c.1434C>A (p.Tyr478Ter)

Gene: PTCHD1 (patched domain containing 1; plus strand). Cytogenetic location: Xp22.11.
Variant type: single nucleotide variant.
Coding change: c.1434C>A on transcript NM_173495.3 (MANE Select); coding-DNA position 1434, C replaced by A.
Protein change: p.Tyr478Ter; replaces tyrosine 478 with a stop codon.
Molecular consequence: nonsense.
Genome position (GRCh38, 1-based): chrX:23,392,952, C>A. VCF-style: chrX-23392952-C-A. GRCh37 (hg19) VCF-style: chrX-23411069-C-A.
Other names: short protein forms Y478*.
Identifiers: ClinVar variation 2501715 (VCV002501715.1), dbSNP rs751692491, ClinGen allele CA412584135.

ClinVar aggregate classification (germline): Likely pathogenic (1 of 4 stars; one submission).

Conditions:
Autism, susceptibility to, X-linked 4 (AUTSX4). Identifiers: MedGen C0795888, MONDO:0010440, OMIM 300830.

Submission:

Lifecell International Pvt. Ltd
Classification: Likely pathogenic for Autism, susceptibility to, X-linked 4. Review status: criteria provided, single submitter. Criteria: ACMG Guidelines, 2015. Collection method: clinical testing. Allele origin: germline. Inheritance: X-linked recessive inheritance. Affected: yes. Observed: 1 hemizygote.
Comment: A Hemizygous Nonsense variant c.1434C>A in Exon 3 of the PTCHD1 gene that results in the amino acid substitution p.Tyr478* was identified. The observed variant is novel in gnomAD exomes and genomes, respectively. The severity of the impact of this variant on the protein is high, based on the effect of the protein and REVEL score . Rare Exome Variant Ensemble Learner (REVEL) is an ensembl method for predicting the pathogenicity of missense variants based on a combination of scores from 13 individual tools: MutPred, FATHMM v2.3, VEST 3.0, PolyPhen-2, SIFT, PROVEAN, MutationAssessor, MutationTaster, LRT, GERP++, SiPhy, phyloP, and phastCons. The REVEL score for an individual missense variant can range from 0 to 1, with higher scores reflecting greater likelihood that the variant is disease-causing. Based on the above evidence this variant has been classified as Likely Pathogenic according to the ACMG guidelines.